The following is an entry in ClinVar:

NM_170707.4(LMNA):c.2T>A (p.Met1Lys)

Gene: LMNA (lamin A/C; plus strand). Cytogenetic location: 1q22.
Variant type: single nucleotide variant.
Coding change: c.2T>A on transcript NM_170707.4 (MANE Select); coding-DNA position 2, T replaced by A.
Protein change: p.Met1Lys; changes the start codon (methionine 1).
Molecular consequence: missense variant, initiator codon variant. On other transcripts: 5 prime UTR variant (8), intron variant (2).
Genome position (GRCh38, 1-based): chr1:156,114,920, T>A. VCF-style: chr1-156114920-T-A. GRCh37 (hg19) VCF-style: chr1-156084711-T-A.
Other names: c.2T>A, p.Met1Lys (NM_001282625.2, NM_001282626.2, NM_001406983.1 and 6 more transcripts); c.-422T>A (NM_001406986.1); c.-400T>A (NM_001406990.1, NM_001406995.1, NM_001407002.1); c.-663T>A (NM_001406994.1, NM_001407000.1); c.-843T>A (NM_001406999.1); c.-506T>A (NM_001407001.1); c.-203+8097T>A (NM_001406993.1, NM_001407003.1); short protein forms M1K.
Identifiers: ClinVar variation 2488942 (VCV002488942.4), dbSNP rs2527828780, ClinGen allele CA342805828.

ClinVar aggregate classification (germline): Pathogenic. Review status: criteria provided, multiple submitters, no conflicts (2 of 4 stars). 2 submissions from 2 submitters: Pathogenic (2). Last evaluated 2023-07-28.

Conditions:
Cardiovascular phenotype. Identifiers: MedGen CN230736.

Submissions (2):

GeneDx
Classification: Pathogenic. Last evaluated: 2023-07-28. Review status: criteria provided, single submitter. Criteria: GeneDx Variant Classification Process June 2021. Collection method: clinical testing. Allele origin: germline. Affected: yes.
Comment: Not observed at significant frequency in large population cohorts (gnomAD); Initiation codon variant in a gene for which loss of function is a known mechanism of disease; This variant is associated with the following publications: (PMID: 31402444, 26620845)

Ambry Genetics
Classification: Pathogenic for Cardiovascular phenotype. Last evaluated: 2022-11-03. Review status: criteria provided, single submitter. Criteria: Ambry Variant Classification Scheme 2023. Collection method: clinical testing. Allele origin: germline.
Comment: The p.M1? pathogenic mutation (also known as c.2T>A) is located in coding exon 1 of the LMNA gene and results from a T to A substitution at nucleotide position 2. This alters the methionine residue at the initiation codon (ATG). This alteration has been reported in an individual with complete atrioventricular block, mild left ventricular dilation, and severe right ventricular dilation with localized dyskinesis (Kato K et al J Cardiol. 2016 Oct;68(4):346-51). This variant is considered to be rare based on population cohorts in the Genome Aggregation Database (gnomAD). Sequence variations that modify the initiation codon are expected to result in either loss of translation initiation, N-terminal truncation, or cause a shift in the mRNA reading frame. Based on the supporting evidence, this alteration is interpreted as a disease-causing mutation.

Literature cited by the submitters: PubMed 26620845 (cited by Ambry Genetics).